The following is an entry in ClinVar:

NM_001184.4(ATR):c.2623G>A (p.Asp875Asn)

Gene: ATR (ATR checkpoint kinase; minus strand). Cytogenetic location: 3q23.
Variant type: single nucleotide variant.
Coding change: c.2623G>A on transcript NM_001184.4 (MANE Select); coding-DNA position 2623, G replaced by A.
Protein change: p.Asp875Asn; replaces aspartic acid 875 with asparagine.
Molecular consequence: missense variant.
Genome position (GRCh38, 1-based): chr3:142,553,650, C>T on the plus strand (G>A on the coding strand, the complement: ATR is on the minus strand). VCF-style: chr3-142553650-C-T. GRCh37 (hg19) VCF-style: chr3-142272492-C-T.
Other names: c.2431G>A, p.Asp811Asn (NM_001354579.2); short protein forms D811N, D875N.
Identifiers: ClinVar variation 1793979 (VCV001793979.2), dbSNP rs2034559509, ClinGen allele CA354815311.

ClinVar aggregate classification (germline): Uncertain significance (1 of 4 stars; one submission).

Conditions:
Inborn genetic diseases. Identifiers: MedGen C0950123, MeSH D030342.

gnomAD v4.1: 4 of 1,606,412 alleles (0.00025%); highest among the groups gnomAD compares: Non-Finnish European, 0.00034%; no homozygotes.

Submission:

Ambry Genetics
Classification: Uncertain significance for Inborn genetic diseases. Last evaluated: 2023-12-01. Review status: criteria provided, single submitter. Criteria: Ambry Variant Classification Scheme 2023. Collection method: clinical testing. Allele origin: germline.
Comment: The p.D875N variant (also known as c.2623G>A), located in coding exon 12 of the ATR gene, results from a G to A substitution at nucleotide position 2623. The aspartic acid at codon 875 is replaced by asparagine, an amino acid with highly similar properties. This amino acid position is conserved. In addition, this alteration is predicted to be tolerated by in silico analysis. Since supporting evidence is limited at this time, the clinical significance of this alteration remains unclear.